The following is an entry in ClinVar:

NM_080425.4(GNAS):c.1796G>A (p.Arg599His)

Gene: GNAS (GNAS complex locus; plus strand). Cytogenetic location: 20q13.32.
Variant type: single nucleotide variant.
Coding change: c.1796G>A on transcript NM_080425.4 (MANE Plus Clinical); coding-DNA position 1796, G replaced by A.
Protein change: p.Arg599His; replaces arginine 599 with histidine.
Molecular consequence: missense variant. On other transcripts: intron variant (3).
Genome position (GRCh38, 1-based): chr20:58,855,061, G>A. VCF-style: chr20-58855061-G-A. GRCh37 (hg19) VCF-style: chr20-57430116-G-A.
Other names: c.1609G>A, p.Ala537Thr (NM_001077490.3, NM_001309883.1); c.1796G>A, p.Arg599His (NM_001410913.1); c.*42+14175G>A (NM_016592.5); c.43+14175G>A (NM_001410912.1); c.-39+13186G>A (NM_001309861.2); short protein forms A537T, R599H.
Identifiers: ClinVar variation 3353521 (VCV003353521.1).
Genomic context (GRCh38, chr20:58,855,061, plus strand): 5'-ACGAGTCCGACGATGGGACCTCCGGATGCCTCCGCTGGTTTCAGCATCGGCGAAATCGCC[G>A]CCGCCGAAAGCCCCAGCGCAACTTACTCCGCAACTTTCTCGTGCAAGCCTTCGGGGGCTG-3'
Protein context (NP_536350.2, residues 589-609): LRWFQHRRNR[Arg599His]RRKPQRNLLR

ClinVar aggregate classification (germline): Uncertain significance (0 of 4 stars; one submission).

Conditions:
GNAS-related disorder. Identifiers: MedGen CN380105.

gnomAD v4.1: 2 of 1,613,090 alleles (0.00012%); highest among the groups gnomAD compares: South Asian, 0.0022%; no homozygotes.

Submission:

PreventionGenetics, part of Exact Sciences
Classification: Uncertain significance for GNAS-related condition. Last evaluated: 2024-05-28. Review status: no assertion criteria provided. Collection method: clinical testing. Allele origin: germline.
Comment: The GNAS c.1796G>A variant is predicted to result in the amino acid substitution p.Arg599His. Of note, this variant is also referred to as c.-36666G>A (pre-coding) in the more commonly reported isoform NM_000516. To our knowledge, this variant has not been reported in the literature or in a large population database, indicating this variant is rare. At this time, the clinical significance of this variant is uncertain due to the absence of conclusive functional and genetic evidence.